The following is an entry in ClinVar:

ClinVar aggregate classification (germline): Uncertain significance (1 of 4 stars; one submission).

Submission:

GeneDx
Classification: Uncertain significance. Last evaluated: 2023-12-07. Review status: criteria provided, single submitter. Criteria: GeneDx Variant Classification Process June 2021. Collection method: clinical testing. Allele origin: germline. Affected: yes.
Comment: Not observed at significant frequency in large population cohorts (gnomAD); In silico analysis supports that this missense variant does not alter protein structure/function; Has not been previously published as pathogenic or benign to our knowledge

NM_001190274.2(FBXO11):c.14G>C (p.Arg5Pro)

Genes: FBXO11 (F-box protein 11; minus strand), LOC100506235 (uncharacterized LOC100506235; plus strand). Cytogenetic location: 2p16.3.
Variant type: single nucleotide variant.
Coding change: c.14G>C on transcript NM_001190274.2 (MANE Select); coding-DNA position 14, G replaced by C.
Protein change: p.Arg5Pro; replaces arginine 5 with proline.
Molecular consequence: missense variant. On other transcripts: non-coding transcript variant (1).
Genome position (GRCh38, 1-based): chr2:47,905,707, C>G on the plus strand (G>C on the coding strand, the complement: FBXO11 is on the minus strand). VCF-style: chr2-47905707-C-G. GRCh37 (hg19) VCF-style: chr2-48132846-C-G.
Other names: short protein forms R5P.
Identifiers: ClinVar variation 3365143 (VCV003365143.1).